The following is an entry in ClinVar:

ClinVar aggregate classification (germline): Benign. Review status: criteria provided, multiple submitters, no conflicts (2 of 4 stars). 2 submissions from 2 submitters: Benign (2). Last evaluated 2018-06-19.

Allele frequency attached by ClinVar (database versions not stated): 1000 Genomes Project 0.07927; 1000 Genomes Project 30x 0.08136; TOPMed 0.09728; gnomAD 0.09783 and 0.09947.
gnomAD v4.1: 14,908 of 152,376 alleles (9.8%); highest among the groups gnomAD compares: African/African-American, 12%; 757 homozygotes.

Submissions (2):

GeneDx
Classification: Benign. Last evaluated: 2018-06-19. Review status: criteria provided, single submitter. Criteria: GeneDx Variant Classification (06012015). Collection method: clinical testing. Allele origin: germline. Affected: yes.
Comment: This variant is considered likely benign or benign based on one or more of the following criteria: it is a conservative change, it occurs at a poorly conserved position in the protein, it is predicted to be benign by multiple in silico algorithms, and/or has population frequency not consistent with disease.

Breakthrough Genomics
Classification: Benign. Review status: criteria provided, single submitter. Criteria: ACMG Guidelines, 2015. Collection method: not provided. Allele origin: germline. Inheritance: Autosomal recessive inheritance. Affected: yes.

NM_002256.4(KISS1):c.-89G>A

Gene: KISS1 (KiSS-1 metastasis suppressor; minus strand). Cytogenetic location: 1q32.1.
Variant type: single nucleotide variant.
Coding change: c.-89G>A on transcript NM_002256.4 (MANE Select); 89 bases upstream of the start codon, G replaced by A.
Molecular consequence: 5 prime UTR variant.
Genome position (GRCh38, 1-based): chr1:204,196,426, C>T on the plus strand (G>A on the coding strand, the complement: KISS1 is on the minus strand). VCF-style: chr1-204196426-C-T. GRCh37 (hg19) VCF-style: chr1-204165554-C-T.
Identifiers: ClinVar variation 673558 (VCV000673558.2), dbSNP rs3924587, ClinGen allele CA10855620.